The following is an entry in ClinVar:

ClinVar aggregate classification (germline): Uncertain significance. Review status: criteria provided, multiple submitters, no conflicts (2 of 4 stars). 2 submissions from 2 submitters: Uncertain significance (2). Last evaluated 2022-10-19.

Allele frequency attached by ClinVar (database versions not stated): ExAC 0.00008.

Submissions (2):

Labcorp Genetics (formerly Invitae), Labcorp
Classification: Uncertain significance. Last evaluated: 2022-10-19. Review status: criteria provided, single submitter. Criteria: Invitae Variant Classification Sherloc (09022015). Collection method: clinical testing. Allele origin: germline.
Comment: This variant is present in population databases (rs779708839, gnomAD 0.01%). In summary, the available evidence is currently insufficient to determine the role of this variant in disease. Therefore, it has been classified as a Variant of Uncertain Significance. Advanced modeling of protein sequence and biophysical properties (such as structural, functional, and spatial information, amino acid conservation, physicochemical variation, residue mobility, and thermodynamic stability) performed at Invitae indicates that this missense variant is not expected to disrupt KCNC3 protein function. This variant has not been reported in the literature in individuals affected with KCNC3-related conditions. This sequence change replaces proline, which is neutral and non-polar, with serine, which is neutral and polar, at codon 583 of the KCNC3 protein (p.Pro583Ser).

Athena Diagnostics
Classification: Uncertain significance. Last evaluated: 2021-09-08. Review status: criteria provided, single submitter. Criteria: Athena Diagnostics Criteria. Collection method: clinical testing. Allele origin: unknown.

NM_004977.3(KCNC3):c.1747C>T (p.Pro583Ser)

Gene: KCNC3 (potassium voltage-gated channel subfamily C member 3; minus strand). Cytogenetic location: 19q13.33.
Variant type: single nucleotide variant.
Coding change: c.1747C>T on transcript NM_004977.3 (MANE Select); coding-DNA position 1747, C replaced by T.
Protein change: p.Pro583Ser; replaces proline 583 with serine.
Molecular consequence: missense variant.
Genome position (GRCh38, 1-based): chr19:50,323,206, G>A on the plus strand (C>T on the coding strand, the complement: KCNC3 is on the minus strand). VCF-style: chr19-50323206-G-A. GRCh37 (hg19) VCF-style: chr19-50826463-G-A.
Other names: c.1519C>T, p.Pro507Ser (NM_001372305.1); short protein forms P507S, P583S.
Identifiers: ClinVar variation 1806877 (VCV001806877.6), dbSNP rs779708839, ClinGen allele CA9594177.